The following is an entry in ClinVar:

NM_001009944.3(PKD1):c.1542del (p.Trp516fs)

Gene: PKD1 (polycystin 1, transient receptor potential channel interacting; minus strand). Cytogenetic location: 16p13.3.
Variant type: Deletion.
Coding change: c.1542del on transcript NM_001009944.3 (MANE Select); coding-DNA position 1542, one base deleted (C; older notation c.1542delC).
Protein change: p.Trp516fs; shifts the reading frame from tryptophan 516.
Molecular consequence: frameshift variant.
Genome position (GRCh38, 1-based): chr16:2,116,897, G deleted on the plus strand (C on the coding strand, the reverse complement: PKD1 is on the minus strand); the first of 2 consecutive G bases (chr16:2,116,897-2,116,898); deleting either gives the same sequence. VCF-style (leftmost placement, unchanged base first): chr16-2116896-CG-C. GRCh37 (hg19) VCF-style: chr16-2166897-CG-C.
Other names: c.1542del, p.Trp516fs (NM_000296.4); short protein forms W516fs.
Identifiers: ClinVar variation 5038182 (VCV005038182.1).
Genomic context (GRCh38, chr16:2,116,896, plus strand): 5'-CGGGCTGCAGCTCGCAGACGTAGCTGTGCGGCGCTGAGCACAGGTCGGTGTTACACCACC[CG>C]GTGGGCCCGAGCCGGACGCAGTGCTCGGCTGTGGCTGGGTGTGGCTCCCCGGGCAGCCAG-3'

ClinVar aggregate classification (germline): Pathogenic (1 of 4 stars; one submission).

Conditions:
Polycystic kidney disease, adult type (PKD1). Also called: Polycystic Kidney Disease 1, Autosomal Dominant; POLYCYSTIC KIDNEY DISEASE, ADULT, TYPE I; Polycystic kidney disease 1; Polycystic kidney disease 1, severe; POLYCYSTIC KIDNEY DISEASE 1 WITH OR WITHOUT POLYCYSTIC LIVER DISEASE; Polycystic Kidney, Autosomal Dominant. Identifiers: MedGen C3149841, MONDO:0008263, OMIM 173900.

Submission:

MVZ Medizinische Genetik Mainz
Classification: Pathogenic for Polycystic kidney disease, adult type. Last evaluated: 2026-10-09. Review status: criteria provided, single submitter. Criteria: UK Practice Guidelines For Variant Classification V4 01 2020. Collection method: clinical testing. Allele origin: germline. Inheritance: Autosomal dominant inheritance. Affected: yes. Observed: 1 variant allele.
Comment: ACMG Criteria: PVS1,PM2_SUP, PP4